The following is an entry in ClinVar:

NC_000002.12:g.26244826T>C

Genes: HADHA (hydroxyacyl-CoA dehydrogenase trifunctional multienzyme complex subunit alpha; minus strand), HADHB (hydroxyacyl-CoA dehydrogenase trifunctional multienzyme complex subunit beta; plus strand). Cytogenetic location: 2p23.3.
Variant type: single nucleotide variant.
Genome position: GRCh38 VCF-style: chr2-26244826-T-C. GRCh37 (hg19) VCF-style: chr2-26467694-T-C.
Identifiers: ClinVar variation 335398 (VCV000335398.9), dbSNP rs749979964, ClinGen allele CA10612972.

ClinVar aggregate classification (germline): Likely benign (0 of 4 stars; one submission).

Conditions:
HADHA-related disorder. Also called: HADHA-related condition; HADHA-related disorders.

Allele frequency attached by ClinVar (database versions not stated): 1000 Genomes Project 30x 0.00031; gnomAD 0.00227 and 0.00249; TOPMed 0.00232.

Submission:

PreventionGenetics, part of Exact Sciences
Classification: Likely benign for HADHA-related condition. Last evaluated: 2023-06-02. Review status: no assertion criteria provided. Collection method: clinical testing. Allele origin: germline.
Comment: This variant is classified as likely benign based on ACMG/AMP sequence variant interpretation guidelines (Richards et al. 2015 PMID: 25741868, with internal and published modifications).